The following is an entry in ClinVar:

ClinVar aggregate classification (germline): Uncertain significance (1 of 4 stars; one submission).

Submission:

Labcorp Genetics (formerly Invitae), Labcorp
Classification: Uncertain significance. Last evaluated: 2021-12-03. Review status: criteria provided, single submitter. Criteria: Invitae Variant Classification Sherloc (09022015). Collection method: clinical testing. Allele origin: germline.
Comment: This sequence change replaces aspartic acid, which is acidic and polar, with asparagine, which is neutral and polar, at codon 387 of the ASAH1 protein (p.Asp387Asn). This variant is not present in population databases (gnomAD no frequency). This variant has not been reported in the literature in individuals affected with ASAH1-related conditions. Algorithms developed to predict the effect of missense changes on protein structure and function (SIFT, PolyPhen-2, Align-GVGD) all suggest that this variant is likely to be tolerated. In summary, the available evidence is currently insufficient to determine the role of this variant in disease. Therefore, it has been classified as a Variant of Uncertain Significance.

NM_177924.5(ASAH1):c.1159G>A (p.Asp387Asn)

Gene: ASAH1 (N-acylsphingosine amidohydrolase 1; minus strand). Cytogenetic location: 8p22.
Variant type: single nucleotide variant.
Coding change: c.1159G>A on transcript NM_177924.5 (MANE Select); coding-DNA position 1159, G replaced by A.
Protein change: p.Asp387Asn; replaces aspartic acid 387 with asparagine.
Molecular consequence: missense variant.
Genome position (GRCh38, 1-based): chr8:18,057,563, C>T on the plus strand (G>A on the coding strand, the complement: ASAH1 is on the minus strand). VCF-style: chr8-18057563-C-T. GRCh37 (hg19) VCF-style: chr8-17915072-C-T.
Other names: c.1141G>A, p.Asp381Asn (NM_001127505.3); c.964G>A, p.Asp322Asn (NM_001363743.2); c.1207G>A, p.Asp403Asn (NM_004315.6); short protein forms D387N, D381N, D322N, D403N.
Identifiers: ClinVar variation 2031459 (VCV002031459.4), dbSNP rs138912339, ClinGen allele CA370442625.